The following is an entry in ClinVar:

ClinVar aggregate classification (germline): Uncertain significance (1 of 4 stars; one submission).

gnomAD v4.1: 11 of 1,614,168 alleles (0.00068%); highest among the groups gnomAD compares: Non-Finnish European, 0.00085%; no homozygotes.

Submission:

Labcorp Genetics (formerly Invitae), Labcorp
Classification: Uncertain significance. Last evaluated: 2024-03-19. Review status: criteria provided, single submitter. Criteria: Invitae Variant Classification Sherloc (09022015). Collection method: clinical testing. Allele origin: germline.
Comment: This sequence change replaces asparagine, which is neutral and polar, with aspartic acid, which is acidic and polar, at codon 390 of the LEMD3 protein (p.Asn390Asp). This variant is present in population databases (rs749468914, gnomAD 0.0009%). This variant has not been reported in the literature in individuals affected with LEMD3-related conditions. Advanced modeling of protein sequence and biophysical properties (such as structural, functional, and spatial information, amino acid conservation, physicochemical variation, residue mobility, and thermodynamic stability) performed at Invitae indicates that this missense variant is not expected to disrupt LEMD3 protein function with a negative predictive value of 80%. In summary, the available evidence is currently insufficient to determine the role of this variant in disease. Therefore, it has been classified as a Variant of Uncertain Significance.

NM_014319.5(LEMD3):c.1168A>G (p.Asn390Asp)

Gene: LEMD3 (LEM domain containing 3; plus strand). Cytogenetic location: 12q14.3.
Variant type: single nucleotide variant.
Coding change: c.1168A>G on transcript NM_014319.5 (MANE Select); coding-DNA position 1168, A replaced by G.
Protein change: p.Asn390Asp; replaces asparagine 390 with aspartic acid.
Molecular consequence: missense variant.
Genome position (GRCh38, 1-based): chr12:65,170,764, A>G. VCF-style: chr12-65170764-A-G. GRCh37 (hg19) VCF-style: chr12-65564544-A-G.
Other names: c.1168A>G, p.Asn390Asp (NM_001167614.2); short protein forms N390D.
Identifiers: ClinVar variation 3626592 (VCV003626592.2).